The following is an entry in ClinVar:

NM_020812.4(DOCK6):c.3240+3G>A

Gene: DOCK6 (dedicator of cytokinesis 6; minus strand). Cytogenetic location: 19p13.2.
Variant type: single nucleotide variant.
Coding change: c.3240+3G>A on transcript NM_020812.4 (MANE Select); 3 bases into the intron after coding-DNA position 3240, G replaced by A.
Molecular consequence: intron variant.
Genome position (GRCh38, 1-based): chr19:11,222,732, C>T on the plus strand (G>A on the coding strand, the complement: DOCK6 is on the minus strand). VCF-style: chr19-11222732-C-T. GRCh37 (hg19) VCF-style: chr19-11333408-C-T.
Other names: c.3345+3G>A (NM_001367830.1).
Identifiers: ClinVar variation 1517707 (VCV001517707.6), dbSNP rs2079599644, ClinGen allele CA2322827581.

ClinVar aggregate classification (germline): Uncertain significance (1 of 4 stars; one submission).

Allele frequency attached by ClinVar (database versions not stated): TOPMed below 0.00001; gnomAD exomes 0.00001.
gnomAD v4.1: 14 of 1,563,926 alleles (0.0009%); highest among the groups gnomAD compares: South Asian, 0.0012%; no homozygotes.

Submission:

Labcorp Genetics (formerly Invitae), Labcorp
Classification: Uncertain significance. Last evaluated: 2021-12-02. Review status: criteria provided, single submitter. Criteria: Invitae Variant Classification Sherloc (09022015). Collection method: clinical testing. Allele origin: germline.
Comment: In summary, the available evidence is currently insufficient to determine the role of this variant in disease. Therefore, it has been classified as a Variant of Uncertain Significance. Variants that disrupt the consensus splice site are a relatively common cause of aberrant splicing (PMID: 17576681, 9536098). Algorithms developed to predict the effect of sequence changes on RNA splicing suggest that this variant is not likely to affect RNA splicing. This variant has not been reported in the literature in individuals affected with DOCK6-related conditions. This variant is not present in population databases (gnomAD no frequency). This sequence change falls in intron 26 of the DOCK6 gene. It does not directly change the encoded amino acid sequence of the DOCK6 protein. It affects a nucleotide within the consensus splice site.

Literature cited by the submitters: PubMed 17576681; PubMed 9536098.